The following is an entry in ClinVar:

ClinVar aggregate classification (germline): Uncertain significance (1 of 4 stars; one submission).

Submission:

GeneDx
Classification: Uncertain significance. Last evaluated: 2023-11-10. Review status: criteria provided, single submitter. Criteria: GeneDx Variant Classification Process June 2021. Collection method: clinical testing. Allele origin: germline. Affected: yes.
Comment: Has not been previously published as pathogenic or benign to our knowledge; Not observed at significant frequency in large population cohorts (gnomAD); In silico analysis supports that this missense variant does not alter protein structure/function

NM_014633.5(CTR9):c.386A>G (p.Asn129Ser)

Gene: CTR9 (CTR9 homolog, Paf1/RNA polymerase II complex component; plus strand). Cytogenetic location: 11p15.4.
Variant type: single nucleotide variant.
Coding change: c.386A>G on transcript NM_014633.5 (MANE Select); coding-DNA position 386, A replaced by G.
Protein change: p.Asn129Ser; replaces asparagine 129 with serine.
Molecular consequence: missense variant.
Genome position (GRCh38, 1-based): chr11:10,755,679, A>G. VCF-style: chr11-10755679-A-G. GRCh37 (hg19) VCF-style: chr11-10777226-A-G.
Other names: c.386A>G, p.Asn129Ser (NM_001346279.2); short protein forms N129S.
Identifiers: ClinVar variation 3364174 (VCV003364174.1).